The following is an entry in ClinVar:

NM_000059.4(BRCA2):c.2853T>G (p.Leu951=)

Gene: BRCA2 (BRCA2 DNA repair associated; plus strand). Cytogenetic location: 13q13.1.
Variant type: single nucleotide variant.
Coding change: c.2853T>G on transcript NM_000059.4 (MANE Select); coding-DNA position 2853, T replaced by G.
Protein change: p.Leu951=; no amino-acid change (leucine 951 retained).
Molecular consequence: synonymous variant.
Genome position (GRCh38, 1-based): chr13:32,337,208, T>G. VCF-style: chr13-32337208-T-G. GRCh37 (hg19) VCF-style: chr13-32911345-T-G.
Identifiers: ClinVar variation 427367 (VCV000427367.3), dbSNP rs1131692102, ClinGen allele CA483437530.

ClinVar aggregate classification (germline): Likely benign (3 of 4 stars; one submission).

Conditions:
Breast-ovarian cancer, familial, susceptibility to, 2 (BROVCA2). Also called: BRCA2 Hereditary Breast and Ovarian Cancer. Identifiers: Orphanet 145, MedGen C2675520, MONDO:0012933, OMIM 612555. Disease mechanism: loss of function.

Submission:

Evidence-based Network for the Interpretation of Germline Mutant Alleles (ENIGMA)
Classification: Likely benign for Breast-ovarian cancer, familial, susceptibility to, 2. Last evaluated: 2017-06-29. Review status: reviewed by expert panel. Criteria: ENIGMA BRCA1/2 Classification Criteria (2017-06-29). Collection method: curation. Allele origin: germline.
Comment: Synonymous substitution variant, with low bioinformatic likelihood to result in a splicing aberration (Splicing prior probability 0.02).